The following is an entry in ClinVar:

NM_000018.4(ACADVL):c.725C>T (p.Thr242Ile)

Gene: ACADVL (acyl-CoA dehydrogenase very long chain; plus strand). Cytogenetic location: 17p13.1.
Variant type: single nucleotide variant.
Coding change: c.725C>T on transcript NM_000018.4 (MANE Select); coding-DNA position 725, C replaced by T.
Protein change: p.Thr242Ile; replaces threonine 242 with isoleucine.
Molecular consequence: missense variant.
Genome position (GRCh38, 1-based): chr17:7,222,054, C>T. VCF-style: chr17-7222054-C-T. GRCh37 (hg19) VCF-style: chr17-7125373-C-T.
Other names: c.659C>T, p.Thr220Ile (NM_001033859.3); c.794C>T, p.Thr265Ile (NM_001270447.2); c.497C>T, p.Thr166Ile (NM_001270448.2); c.725C>T (NM_000018.2); short protein forms T166I, T220I, T242I, T265I.
Identifiers: ClinVar variation 981084 (VCV000981084.5), dbSNP rs769631635, ClinGen allele CA8337819.
Genomic context (GRCh38, chr17:7,222,054, plus strand): 5'-GGTCAGATGCAGCCTCCATCCGAACCTCTGCTGTGCCCAGCCCCTGTGGAAAATACTATA[C>T]CCTCAATGGAAGCAAGCTTTGGATCAGGCAACCTGCCTCCCATTTCTCCCCTTCTCCTCC-3'
Protein context (NP_000009.1, residues 232-252): AVPSPCGKYY[Thr242Ile]LNGSKLWISN

ClinVar aggregate classification (germline): Uncertain significance. Review status: criteria provided, multiple submitters, no conflicts (2 of 4 stars). 4 submissions from 4 submitters: Uncertain significance (3). 1 of the submissions does not count toward it. Last evaluated 2022-07-31.

Conditions:
Very long chain acyl-CoA dehydrogenase deficiency (ACADVLD). Also called: VLCAD Deficiency; Very Long-Chain Acyl-Coenzyme A Dehydrogenase Deficiency. Identifiers: Orphanet 26793, MedGen C3887523, MONDO:0008723, OMIM 201475.
Inborn genetic diseases. Identifiers: MedGen C0950123, MeSH D030342.

Allele frequency attached by ClinVar (database versions not stated): gnomAD exomes below 0.00001 and 0.00002; ExAC 0.00001; gnomAD 0.00001; TOPMed 0.00002.
gnomAD v4.1: 8 of 1,614,018 alleles (0.0005%); highest among the groups gnomAD compares: Admixed American, 0.012%; no homozygotes.

Submissions (4):

Labcorp Genetics (formerly Invitae), Labcorp
Classification: Uncertain significance for Very long chain acyl-CoA dehydrogenase deficiency. Last evaluated: 2022-07-31. Review status: criteria provided, single submitter. Criteria: Invitae Variant Classification Sherloc (09022015). Collection method: clinical testing. Allele origin: germline.
Comment: This sequence change replaces threonine, which is neutral and polar, with isoleucine, which is neutral and non-polar, at codon 242 of the ACADVL protein (p.Thr242Ile). This variant is present in population databases (rs769631635, gnomAD 0.02%). This variant has not been reported in the literature in individuals affected with ACADVL-related conditions. ClinVar contains an entry for this variant (Variation ID: 981084). Algorithms developed to predict the effect of missense changes on protein structure and function (SIFT, PolyPhen-2, Align-GVGD) all suggest that this variant is likely to be tolerated. In summary, the available evidence is currently insufficient to determine the role of this variant in disease. Therefore, it has been classified as a Variant of Uncertain Significance.

Ambry Genetics
Classification: Uncertain significance for Inborn genetic diseases. Last evaluated: 2021-07-01. Review status: criteria provided, single submitter. Criteria: Ambry Variant Classification Scheme 2023. Collection method: clinical testing. Allele origin: germline.
Comment: The p.T242I variant (also known as c.725C>T), located in coding exon 8 of the ACADVL gene, results from a C to T substitution at nucleotide position 725. The threonine at codon 242 is replaced by isoleucine, an amino acid with similar properties. This amino acid position is conserved. In addition, this alteration is predicted to be deleterious by in silico analysis. Since supporting evidence is limited at this time, the clinical significance of this alteration remains unclear.

Women's Health and Genetics/Laboratory Corporation of America, LabCorp
Classification: Uncertain significance. Last evaluated: 2020-09-21. Review status: criteria provided, single submitter. Criteria: LabCorp Variant Classification Summary - May 2015. Collection method: clinical testing. Allele origin: germline.
Comment: Variant summary: ACADVL c.725C>T (p.Thr242Ile) results in a non-conservative amino acid change located in the Acyl-CoA oxidase/dehydrogenase, central domain (IPR006091) of the encoded protein sequence. Three of five in-silico tools predict a benign effect of the variant on protein function. The variant allele was found at a frequency of 2e-05 in 251488 control chromosomes (gnomAD). The available data on variant occurrences in the general population are insufficient to allow any conclusion about variant significance. To our knowledge, no occurrence of c.725C>T in individuals affected with Very Long Chain Acyl-CoA Dehydrogenase Deficiency and no experimental evidence demonstrating its impact on protein function have been reported. No clinical diagnostic laboratories have submitted clinical-significance assessments for this variant to ClinVar after 2014. Based on the evidence outlined above, the variant was classified as uncertain significance.

Natera, Inc.
Classification: Uncertain significance for Very long chain acyl-CoA dehydrogenase deficiency. Last evaluated: 2020-11-04. Review status: no assertion criteria provided. Collection method: clinical testing. Allele origin: germline. Not counted in ClinVar's aggregate classification.